The following is an entry in ClinVar:

NM_000059.4(BRCA2):c.6410del (p.Asn2137fs)

Gene: BRCA2 (BRCA2 DNA repair associated; plus strand). Cytogenetic location: 13q13.1.
Variant type: Deletion.
Coding change: c.6410del on transcript NM_000059.4 (MANE Select); coding-DNA position 6410, one base deleted (A; older notation c.6410delA).
Protein change: p.Asn2137fs; shifts the reading frame from asparagine 2137.
Molecular consequence: frameshift variant.
Genome position (GRCh38, 1-based): chr13:32,340,765, A deleted; the last of 3 consecutive A bases (chr13:32,340,763-32,340,765); deleting any one gives the same sequence. VCF-style (leftmost placement, unchanged base first): chr13-32340762-TA-T. GRCh37 (hg19) VCF-style: chr13-32914899-TA-T.
Other names: 6638delA; c.6410delA (NM_000059.3); short protein forms N2137fs.
Identifiers: ClinVar variation 266945 (VCV000266945.16), dbSNP rs886038146, ClinGen allele CA10589375.

ClinVar aggregate classification (germline): Pathogenic. Review status: reviewed by expert panel (3 of 4 stars). 6 submissions from 6 submitters: Pathogenic (1). 5 of the submissions do not count toward it. Last evaluated 2016-10-18.

Conditions:
Breast-ovarian cancer, familial, susceptibility to, 2 (BROVCA2). Also called: BRCA2 Hereditary Breast and Ovarian Cancer. Identifiers: Orphanet 145, MedGen C2675520, MONDO:0012933, OMIM 612555. Disease mechanism: loss of function.
Hereditary breast ovarian cancer syndrome. Also called: BRCA1- and BRCA2-Associated Hereditary Breast and Ovarian Cancer; Hereditary breast and ovarian cancer; Breast and ovarian cancer; Hereditary breast and/or ovarian cancer syndrome; Hereditary breast and ovarian cancer syndrome; Hereditary breast and ovarian cancer syndrome (HBOC). Identifiers: Orphanet 145, MedGen C0677776, MeSH D061325, MONDO:0003582. Disease mechanism: loss of function.
Familial cancer of breast. Also called: hereditary breast carcinoma; BREAST CANCER, FAMILIAL; Hereditary breast cancer. Identifiers: Orphanet 227535, MedGen C0346153, MONDO:0016419, OMIM 114480. Disease mechanism: loss of function.
Hereditary cancer-predisposing syndrome. Also called: Hereditary neoplastic syndrome; Neoplastic Syndromes, Hereditary; Tumor predisposition; Hereditary Cancer Syndrome. Identifiers: Orphanet 140162, MedGen C0027672, MeSH D009386, MONDO:0015356.

Submissions (6):

Evidence-based Network for the Interpretation of Germline Mutant Alleles (ENIGMA)
Classification: Pathogenic for Breast-ovarian cancer, familial, susceptibility to, 2. Last evaluated: 2016-10-18. Review status: reviewed by expert panel. Criteria: ENIGMA BRCA1/2 Classification Criteria (2015). Collection method: curation. Allele origin: germline.
Comment: Variant allele predicted to encode a truncated non-functional protein.

GeneKor MSA
Classification: Pathogenic for Hereditary breast ovarian cancer syndrome. Last evaluated: 2025-06-17. Review status: criteria provided, single submitter. Criteria: ACMG Guidelines, 2015. Collection method: clinical testing. Allele origin: germline. Affected: yes. Not counted in ClinVar's aggregate classification.
Comment: This variant is a single base deletion in exon 11 of the BRCA2 mRNA c.(6410del), causing a frameshift after codon 2137 and the creation of a premature translational stop signal 31 amino acid residues later p.(Asn2137Metfs*31). This is expected to result in an absent or disrupted protein product. Truncating variants in the BRCA2 gene are known to be pathogenic (PMID:20104584). This variant is not present in population databases (rs886038146) but it has been reported in families with breast cancer (PMID:25066507). ClinVar contains entries for this variant where is listed as pathogenic (VCV000266945.14). Based on the classification criteria set by the ACMG and AMP (PMID:25741868), this variant has been classified as pathogenic.

Ambry Genetics
Classification: Pathogenic for Hereditary cancer-predisposing syndrome. Last evaluated: 2023-10-05. Review status: criteria provided, single submitter. Criteria: Ambry Variant Classification Scheme 2023. Collection method: clinical testing. Allele origin: germline. Not counted in ClinVar's aggregate classification.
Comment: The c.6410delA pathogenic mutation, located in coding exon 10 of the BRCA2 gene, results from a deletion of one nucleotide at nucleotide position 6410, causing a translational frameshift with a predicted alternate stop codon (p.N2137Mfs*31). This alteration is expected to result in loss of function by premature protein truncation or nonsense-mediated mRNA decay. As such, this alteration is interpreted as a disease-causing mutation.

Labcorp Genetics (formerly Invitae), Labcorp
Classification: Pathogenic for Hereditary breast ovarian cancer syndrome. Last evaluated: 2022-06-23. Review status: criteria provided, single submitter. Criteria: Invitae Variant Classification Sherloc (09022015). Collection method: clinical testing. Allele origin: germline. Not counted in ClinVar's aggregate classification.
Comment: ClinVar contains an entry for this variant (Variation ID: 266945). For these reasons, this variant has been classified as Pathogenic. This sequence change creates a premature translational stop signal (p.Asn2137Metfs*31) in the BRCA2 gene. It is expected to result in an absent or disrupted protein product. Loss-of-function variants in BRCA2 are known to be pathogenic (PMID: 20104584). This variant is not present in population databases (gnomAD no frequency). This premature translational stop signal has been observed in individual(s) with breast cancer (PMID: 25066507).

Baylor Genetics
Classification: Pathogenic for Familial cancer of breast. Last evaluated: 2021-11-13. Review status: criteria provided, single submitter. Criteria: ACMG Guidelines, 2015. Collection method: clinical testing. Allele origin: unknown. Not counted in ClinVar's aggregate classification.

Consortium of Investigators of Modifiers of BRCA1/2 (CIMBA), c/o University of Cambridge
Classification: Pathogenic for Breast-ovarian cancer, familial, susceptibility to, 2. Last evaluated: 2015-10-02. Review status: criteria provided, single submitter. Criteria: CIMBA Mutation Classification guidelines May 2016. Collection method: clinical testing. Allele origin: germline. Not counted in ClinVar's aggregate classification.

Literature cited by the submitters: PubMed 20104584 (cited by GeneKor MSA and Labcorp Genetics (formerly Invitae), Labcorp); PubMed 25066507 (cited by GeneKor MSA and Labcorp Genetics (formerly Invitae), Labcorp).